The following is an entry in ClinVar:

NM_198252.3(GSN):c.425A>G (p.Lys142Arg)

Gene: GSN (gelsolin; plus strand). Cytogenetic location: 9q33.2.
Variant type: single nucleotide variant.
Coding change: c.425A>G on transcript NM_198252.3 (MANE Select); coding-DNA position 425, A replaced by G.
Protein change: p.Lys142Arg; replaces lysine 142 with arginine.
Molecular consequence: missense variant. On other transcripts: 5 prime UTR variant (1).
Genome position (GRCh38, 1-based): chr9:121,310,757, A>G. VCF-style: chr9-121310757-A-G. GRCh37 (hg19) VCF-style: chr9-124073035-A-G.
Other names: c.578A>G, p.Lys193Arg (NM_000177.5); c.425A>G, p.Lys142Arg (NM_001127662.2, NM_001127664.2, NM_001127665.2 and 10 more transcripts); c.533A>G, p.Lys178Arg (NM_001127663.2); c.458A>G, p.Lys153Arg (NM_001127666.2, NM_001353063.2, NM_001353064.2 and 13 more transcripts); c.497A>G, p.Lys166Arg (NM_001353076.2); c.-230A>G (NM_001353078.2); c.476A>G, p.Lys159Arg (NM_001258029.2); c.449A>G, p.Lys150Arg (NM_001258030.2); short protein forms K153R, K166R, K159R, K193R, K178R, K142R, K150R.
Identifiers: ClinVar variation 3004845 (VCV003004845.3), dbSNP rs2061023388, ClinGen allele CA374738993.
Genomic context (GRCh38, chr9:121,310,757, plus strand): 5'-CATCAGGATTCAAGCACGTGGTACCCAACGAGGTGGTGGTGCAGAGACTCTTCCAGGTCA[A>G]AGGGCGGCGTGTGGTCCGTGCCACCGAGGTACCTGTGTCCTGGGAGAGCTTCAACAATGG-3'
Protein context (NP_937895.1, residues 132-152): EVVVQRLFQV[Lys142Arg]GRRVVRATEV

ClinVar aggregate classification (germline): Uncertain significance (1 of 4 stars; one submission).

Allele frequency attached by ClinVar (database versions not stated): gnomAD exomes below 0.00001; TOPMed below 0.00001.
gnomAD v4.1: 1 of 1,614,116 alleles (0.000062%); highest among the groups gnomAD compares: Non-Finnish European, 0.000085%; no homozygotes.

Submission:

Labcorp Genetics (formerly Invitae), Labcorp
Classification: Uncertain significance. Last evaluated: 2023-11-05. Review status: criteria provided, single submitter. Criteria: Invitae Variant Classification Sherloc (09022015). Collection method: clinical testing. Allele origin: germline.
Comment: This sequence change replaces lysine, which is basic and polar, with arginine, which is basic and polar, at codon 193 of the GSN protein (p.Lys193Arg). This variant is not present in population databases (gnomAD no frequency). This variant has not been reported in the literature in individuals affected with GSN-related conditions. Advanced modeling of protein sequence and biophysical properties (such as structural, functional, and spatial information, amino acid conservation, physicochemical variation, residue mobility, and thermodynamic stability) has been performed at Invitae for this missense variant, however the output from this modeling did not meet the statistical confidence thresholds required to predict the impact of this variant on GSN protein function. In summary, the available evidence is currently insufficient to determine the role of this variant in disease. Therefore, it has been classified as a Variant of Uncertain Significance.